The following is an entry in ClinVar:

ClinVar aggregate classification (germline): Uncertain significance (1 of 4 stars; one submission).

Conditions:
BBS10-related disorder. Also called: BBS10-related condition.

Submission:

PreventionGenetics, part of Exact Sciences
Classification: Uncertain significance for BBS10-related condition. Last evaluated: 2026-03-26. Review status: criteria provided, single submitter. Criteria: ACMG Guidelines, 2015. Collection method: clinical testing. Allele origin: germline.
Comment: The BBS10 c.2126_2127delGA variant is predicted to result in a frameshift and premature protein termination (p.Arg709Thrfs*13). This variant has been reported along with a maternally inherited missense variant in BBS10 in an individual with Bardet-Biedl syndrome (Supplemental Table 3, Kurata. 2018. PubMed ID: 29666954). Of note, the p.Arg709Thrfs*13 variant was not present in either parent tested. This variant is reported in 0.00088% of alleles in individuals of European (Non-Finnish) descent in gnomAD. To our knowledge, there are no documented causative variants downstream of the p.Arg709Thrfs*13 variant identified in this individual. At this time, the clinical significance of this variant is uncertain due to the absence of conclusive functional and genetic evidence.

NM_024685.4(BBS10):c.2126_2127del (p.Arg709fs)

Gene: BBS10 (Bardet-Biedl syndrome 10; minus strand). Cytogenetic location: 12q21.2.
Variant type: Microsatellite.
Coding change: c.2126_2127del on transcript NM_024685.4 (MANE Select); coding-DNA positions 2126 to 2127, 2 bases deleted (GA; older notation c.2126_2127delGA).
Protein change: p.Arg709fs; shifts the reading frame from arginine 709.
Molecular consequence: frameshift variant.
Genome position (GRCh38, 1-based): chr12:76,345,858-76,345,859, TC deleted on the plus strand (GA on the coding strand, the reverse complement: BBS10 is on the minus strand); deleting any 2 consecutive bases within chr12:76,345,858-76,345,862 gives the same sequence; the c. name uses the placement nearest the transcript's 3' end. VCF-style (leftmost placement, unchanged base first): chr12-76345857-GTC-G. GRCh37 (hg19) VCF-style: chr12-76739637-GTC-G.
Other names: short protein forms R709fs.
Identifiers: ClinVar variation 4991987 (VCV004991987.1).